The following is an entry in ClinVar:

NM_001267550.2(TTN):c.64680dup (p.Gly21561fs)

Genes: TTN (titin; minus strand), TTN-AS1 (TTN antisense RNA 1; plus strand). Cytogenetic location: 2q31.2.
Variant type: Duplication.
Coding change: c.64680dup on transcript NM_001267550.2 (MANE Select); coding-DNA position 64680, one base duplicated (C; older notation c.64680dupC).
Protein change: p.Gly21561fs; shifts the reading frame from glycine 21561.
Molecular consequence: frameshift variant. On other transcripts: non-coding transcript variant (1).
Genome position (GRCh38, 1-based): chr2:178,584,961, G duplicated on the plus strand (C on the coding strand, the reverse complement: TTN is on the minus strand); the first of 5 consecutive G bases (chr2:178,584,961-178,584,965); duplicating any one gives the same sequence. VCF-style (leftmost placement, unchanged base first): chr2-178584960-C-CG. GRCh37 (hg19) VCF-style: chr2-179449687-C-CG.
Other names: c.59757dupC (NM_001256850.1); c.59757dup, p.Gly19920fs (NM_001256850.1); c.37485dup, p.Gly12496fs (NM_003319.4); c.56976dup, p.Gly18993fs (NM_133378.4); c.37860dup, p.Gly12621fs (NM_133432.3); c.38061dup, p.Gly12688fs (NM_133437.4); short protein forms G12496fs, G18993fs, G19920fs, G12621fs, G12688fs, G21561fs.
Identifiers: ClinVar variation 202457 (VCV000202457.11), dbSNP rs794729330, ClinGen allele CA309419.

ClinVar aggregate classification (germline): Pathogenic/Likely pathogenic. Review status: criteria provided, multiple submitters, no conflicts (2 of 4 stars). 3 submissions from 3 submitters: Pathogenic (1); Likely pathogenic (2). Last evaluated 2025-07-16.

Conditions:
Dilated cardiomyopathy 1G (CMD1G). Identifiers: Orphanet 154, MedGen C1858763, MONDO:0011400, OMIM 604145.
Autosomal recessive limb-girdle muscular dystrophy type 2J (LGMDR10). Also called: MUSCULAR DYSTROPHY, LIMB-GIRDLE, AUTOSOMAL RECESSIVE 10; Limb-girdle muscular dystrophy, type 2J. Identifiers: Orphanet 140922, MedGen C1837342, MONDO:0012127, OMIM 608807.

Submissions (3):

Labcorp Genetics (formerly Invitae), Labcorp
Classification: Likely pathogenic for Dilated cardiomyopathy 1G; Autosomal recessive limb-girdle muscular dystrophy type 2J. Last evaluated: 2025-07-16. Review status: criteria provided, single submitter. Criteria: Invitae Variant Classification Sherloc (09022015). Collection method: clinical testing. Allele origin: germline.
Comment: This sequence change creates a premature translational stop signal (p.Gly21561Argfs*8) in the TTN gene. While this is not anticipated to result in nonsense mediated decay, it is expected to create a truncated TTN protein. This variant is not present in population databases (gnomAD no frequency). This variant has not been reported in the literature in individuals affected with TTN-related conditions. ClinVar contains an entry for this variant (Variation ID: 202457). This variant is located in the A band of TTN (PMID: 25589632). Truncating variants in this region are significantly overrepresented in patients affected with dilated cardiomyopathy (PMID: 25589632). Truncating variants in this region have also been reported in individuals affected with autosomal recessive centronuclear myopathy (PMID: 23975875). In summary, the currently available evidence indicates that the variant is pathogenic, but additional data are needed to prove that conclusively. Therefore, this variant has been classified as Likely Pathogenic.

Eurofins Ntd Llc (ga)
Classification: Likely pathogenic. Last evaluated: 2016-05-12. Review status: criteria provided, single submitter. Criteria: EGL Classification Definitions. Collection method: clinical testing. Allele origin: germline. Observed: 1 variant allele, 1 heterozygote.

GeneDx
Classification: Pathogenic. Last evaluated: 2014-06-03. Review status: criteria provided, single submitter. Criteria: GeneDx Variant Classification (06012015). Collection method: clinical testing. Allele origin: germline. Affected: yes.
Comment: c.59757dupC: p.Gly19920ArgfsX8 (G19920RfsX8) in exon 260 of the TTN gene (NM_001256850.1). The normal sequence with the bases that are duplicated in braces is: CCCC{C}GGCC. The c.59757dupC mutation in the TTN gene has not been reported previously as a disease-causing mutation or as a benign polymorphism, to our knowledge. c.59757dupC causes a shift in reading frame starting at codon Glycine 19920, changing it to an Arginine, and creating a premature stop codon at position 8 of the new reading frame, denoted p.Gly19920ArgfsX8. This mutation is expected to result in either an abnormal, truncated protein product or loss of protein from this allele through nonsense-mediated mRNA decay. Other truncating TTN variants have been reported in approximately 3% of control alleles (Herman D et al., 2012). However, c.59757dupC is located in the A-band region of titin, where the majority of truncating mutations associated with DCM have been reported (Herman D et al., 2012). In summary, c.59757dupC in the TTN gene is interpreted as a disease-causing mutation. The variant is found in DCM-CRDM panel(s).

Literature cited by the submitters: PubMed 25589632 (cited by Labcorp Genetics (formerly Invitae), Labcorp); PubMed 23975875 (cited by Labcorp Genetics (formerly Invitae), Labcorp).